The following is an entry in ClinVar:

NM_000465.4(BARD1):c.1569-9T>C

Gene: BARD1 (BRCA1 associated RING domain 1; minus strand). Cytogenetic location: 2q35.
Variant type: single nucleotide variant.
Coding change: c.1569-9T>C on transcript NM_000465.4 (MANE Select); 9 bases into the intron before coding-DNA position 1569, T replaced by C.
Molecular consequence: intron variant.
Genome position (GRCh38, 1-based): chr2:214,752,564, A>G on the plus strand (T>C on the coding strand, the complement: BARD1 is on the minus strand). VCF-style: chr2-214752564-A-G. GRCh37 (hg19) VCF-style: chr2-215617288-A-G.
Other names: c.1569-9T>C (LRG_297t1); c.159-9T>C (NM_001282548.2); c.1512-9T>C (NM_001282543.2); c.216-9T>C (NM_001282545.2); c.365-22056T>C (NM_001282549.2).
Identifiers: ClinVar variation 414117 (VCV000414117.17), dbSNP rs753153934, ClinGen allele CA2090217.
Genomic context (GRCh38, chr2:214,752,564, plus strand): 5'-TTTCATACTTTCATCATCTGTATAATCGACAGGCCGCAGACCAAATATATTACTGGTAAA[A>G]TAAGTGCAGATGTGTTTAAGTAAGTCAAATGTGTGACTCGACTCAATTTTTCAACATCCT-3'

ClinVar aggregate classification (germline): Likely benign. Review status: criteria provided, multiple submitters, no conflicts (2 of 4 stars). 4 submissions from 4 submitters: Likely benign (4). Last evaluated 2025-11-03.

Conditions:
Familial cancer of breast. Also called: Hereditary breast cancer; hereditary breast carcinoma; BREAST CANCER, FAMILIAL. Identifiers: Orphanet 227535, MedGen C0346153, MONDO:0016419, OMIM 114480. Disease mechanism: loss of function.
Hereditary cancer-predisposing syndrome. Also called: Neoplastic Syndromes, Hereditary; Tumor predisposition; Hereditary Cancer Syndrome; Hereditary neoplastic syndrome. Identifiers: Orphanet 140162, MedGen C0027672, MeSH D009386, MONDO:0015356.

Allele frequency attached by ClinVar (database versions not stated): TOPMed below 0.00001; gnomAD 0.00001; gnomAD exomes 0.00001 and 0.00003; ExAC 0.00002.
gnomAD v4.1: 39 of 1,598,362 alleles (0.0024%); highest among the groups gnomAD compares: Non-Finnish European, 0.0033%; no homozygotes.

Submissions (4):

Labcorp Genetics (formerly Invitae), Labcorp
Classification: Likely benign for Familial cancer of breast. Last evaluated: 2025-11-03. Review status: criteria provided, single submitter. Criteria: Invitae Variant Classification Sherloc (09022015). Collection method: clinical testing. Allele origin: germline.

Women's Health and Genetics/Laboratory Corporation of America, LabCorp
Classification: Likely benign. Last evaluated: 2024-12-11. Review status: criteria provided, single submitter. Criteria: LabCorp Variant Classification Summary - May 2015. Collection method: clinical testing. Allele origin: germline.

Myriad Genetics, Inc.
Classification: Likely benign for Familial cancer of breast. Last evaluated: 2024-07-25. Review status: criteria provided, single submitter. Criteria: Myriad Autosomal Dominant, Autosomal Recessive and X-Linked Classification Criteria (2023). Collection method: clinical testing. Allele origin: unknown.
Comment: This variant is considered likely benign. This variant is intronic and is not expected to impact mRNA splicing.

Color Diagnostics, LLC DBA Color Health
Classification: Likely benign for Hereditary cancer-predisposing syndrome. Last evaluated: 2016-08-08. Review status: criteria provided, single submitter. Criteria: ACMG Guidelines, 2015. Collection method: clinical testing. Allele origin: germline.